The following is an entry in ClinVar:

NM_004415.4(DSP):c.5794C>T (p.Arg1932Cys)

Gene: DSP (desmoplakin; plus strand). Cytogenetic location: 6p24.3.
Variant type: single nucleotide variant.
Coding change: c.5794C>T on transcript NM_004415.4 (MANE Select); coding-DNA position 5794, C replaced by T.
Protein change: p.Arg1932Cys; replaces arginine 1932 with cysteine.
Molecular consequence: missense variant.
Genome position (GRCh38, 1-based): chr6:7,583,056, C>T. VCF-style: chr6-7583056-C-T. GRCh37 (hg19) VCF-style: chr6-7583289-C-T.
Other names: c.5794C>T (LRG_423t1, NM_004415.3); c.3997C>T, p.Arg1333Cys (NM_001008844.3); c.4465C>T, p.Arg1489Cys (NM_001319034.2); short protein forms R1932C, R1333C, R1489C.
Identifiers: ClinVar variation 465900 (VCV000465900.29), dbSNP rs748825632, ClinGen allele CA045687.

ClinVar aggregate classification (germline): Conflicting classifications of pathogenicity. Review status: criteria provided, conflicting classifications (1 of 4 stars). 7 submissions from 7 submitters: Uncertain significance (6); Likely benign (1). Last evaluated 2026-04-16.

Conditions:
DSP-related disorder. Also called: DSP-related disorders; DSP-related condition.
Cardiovascular phenotype. Identifiers: MedGen CN230736.
Cardiomyopathy (CMYO). Also called: Cardiomyopathies. Identifiers: Orphanet 167848, MedGen C0878544, MONDO:0004994, HP:0001638. Inheritance: Various modes of inheritance.
Arrhythmogenic right ventricular dysplasia 8 (ARVD8). Also called: Arrhythmogenic Right Ventricular Dysplasia/Cardiomyopathy 8; ARRHYTHMOGENIC RIGHT VENTRICULAR DYSPLASIA, FAMILIAL, 8; ARRHYTHMOGENIC RIGHT VENTRICULAR CARDIOMYOPATHY 8. Identifiers: MedGen C1843896, MONDO:0011831, OMIM 607450.
Arrhythmogenic cardiomyopathy with wooly hair and keratoderma. Also called: Arrhythmogenic cardiomyopathy with woolly hair and keratoderma; PALMOPLANTAR KERATODERMA WITH LEFT VENTRICULAR CARDIOMYOPATHY AND WOOLLY HAIR; Carvajal syndrome; Dilated cardiomyopathy with woolly hair and keratoderma. Identifiers: Orphanet 65282, MedGen C1854063, MONDO:0011581, OMIM 605676.

Allele frequency attached by ClinVar (database versions not stated): gnomAD 0.00001 and 0.00002; TOPMed 0.00002; gnomAD exomes 0.00003 and 0.00004; ExAC 0.00004.
gnomAD v4.1: 43 of 1,613,994 alleles (0.0027%); highest among the groups gnomAD compares: South Asian, 0.011%; no homozygotes.

Submissions (7):

Ambry Genetics
Classification: Uncertain significance for Cardiovascular phenotype. Last evaluated: 2026-04-16. Review status: criteria provided, single submitter. Criteria: Ambry Variant Classification Scheme 2023. Collection method: clinical testing. Allele origin: germline.

Labcorp Genetics (formerly Invitae), Labcorp
Classification: Likely benign for Arrhythmogenic cardiomyopathy with wooly hair and keratoderma; Arrhythmogenic right ventricular dysplasia 8. Last evaluated: 2026-01-04. Review status: criteria provided, single submitter. Criteria: Invitae Variant Classification Sherloc (09022015). Collection method: clinical testing. Allele origin: germline.

PreventionGenetics, part of Exact Sciences
Classification: Uncertain significance for DSP-related condition. Last evaluated: 2025-11-11. Review status: criteria provided, single submitter. Criteria: ACMG Guidelines, 2015. Collection method: clinical testing. Allele origin: germline.
Comment: The DSP c.5794C>T variant is predicted to result in the amino acid substitution p.Arg1932Cys. This variant has been reported as uncertain in an individual with arrhythmogenic cardiomyopathy (Table S5, Goudal et al. 2022. PubMed ID: 35819174). This variant is reported in 0.013% of alleles in individuals of South Asian descent in gnomAD. At this time, the clinical significance of this variant is uncertain due to the absence of conclusive functional and genetic evidence.

All of Us Research Program, National Institutes of Health
Classification: Uncertain significance for Arrhythmogenic cardiomyopathy with wooly hair and keratoderma. Last evaluated: 2024-06-09. Review status: criteria provided, single submitter. Criteria: ACMG Guidelines, 2015. Collection method: clinical testing. Allele origin: germline. Inheritance: Autosomal dominant inheritance. Observed: 7 variant alleles, 7 heterozygotes.
Comment: This missense variant replaces arginine with cysteine at codon 1932 of the DSP protein. Computational prediction tool suggests that this variant may not impact protein structure and function (internally defined REVEL score threshold <= 0.5, PMID: 27666373). To our knowledge, functional studies have not been reported for this variant. This variant has not been reported in individuals affected with cardiovascular disorders in the literature. This variant has been identified in 11/250660 chromosomes in the general population by the Genome Aggregation Database (gnomAD). The available evidence is insufficient to determine the role of this variant in disease conclusively. Therefore, this variant is classified as a Variant of Uncertain Significance.

This study involves interpretation of variants in research participants for the purpose of population health screening. Participant phenotype was not available at the time of variant classification. Additional details can be found in publication PMID: 35346344, PMCID: PMC8962531

Color Diagnostics, LLC DBA Color Health
Classification: Uncertain significance for Cardiomyopathy. Last evaluated: 2024-05-13. Review status: criteria provided, single submitter. Criteria: ACMG Guidelines, 2015. Collection method: clinical testing. Allele origin: germline.
Comment: This missense variant replaces arginine with cysteine at codon 1932 of the DSP protein. Computational prediction tool suggests that this variant may not impact protein structure and function (internally defined REVEL score threshold <= 0.5, PMID: 27666373). To our knowledge, functional studies have not been reported for this variant. This variant has not been reported in individuals affected with cardiovascular disorders in the literature. This variant has been identified in 11/250660 chromosomes in the general population by the Genome Aggregation Database (gnomAD). The available evidence is insufficient to determine the role of this variant in disease conclusively. Therefore, this variant is classified as a Variant of Uncertain Significance.

CHEO Genetics Diagnostic Laboratory, Children's Hospital of Eastern Ontario
Classification: Uncertain significance for Cardiomyopathy. Last evaluated: 2021-11-30. Review status: criteria provided, single submitter. Criteria: ACMG Guidelines, 2015. Collection method: clinical testing. Allele origin: germline.

ARUP Laboratories, Molecular Genetics and Genomics, ARUP Laboratories
Classification: Uncertain significance. Last evaluated: 2020-11-18. Review status: criteria provided, single submitter. Criteria: ARUP Molecular Germline Variant Investigation Process 2021. Collection method: clinical testing. Allele origin: germline.
Comment: The DSP c.5794C>T; p.Arg1932Cys variant (rs748825632), to our knowledge, is not reported in the medical literature but is reported in ClinVar (Variation ID: 465900). This variant is found in the general population with an overall allele frequency of 0.004% (11/250660 alleles) in the Genome Aggregation Database. The arginine at codon 1932 is moderately conserved, and computational analyses are uncertain whether this variant is neutral or deleterious (REVEL: 0.458). However, due to limited information, the clinical significance of the p.Arg1932Cys variant is uncertain at this time.